The following is an entry in ClinVar:

ClinVar aggregate classification (germline): Uncertain significance (1 of 4 stars; one submission).

Allele frequency attached by ClinVar (database versions not stated): gnomAD exomes below 0.00001.
gnomAD v4.1: 1 of 1,612,944 alleles (0.000062%); highest among the groups gnomAD compares: Non-Finnish European, 0.000085%; no homozygotes.

Submission:

Labcorp Genetics (formerly Invitae), Labcorp
Classification: Uncertain significance. Last evaluated: 2022-05-13. Review status: criteria provided, single submitter. Criteria: Invitae Variant Classification Sherloc (09022015). Collection method: clinical testing. Allele origin: germline.
Comment: This sequence change replaces leucine, which is neutral and non-polar, with proline, which is neutral and non-polar, at codon 526 of the RBP3 protein (p.Leu526Pro). This variant is not present in population databases (gnomAD no frequency). This variant has not been reported in the literature in individuals affected with RBP3-related conditions. Algorithms developed to predict the effect of missense changes on protein structure and function are either unavailable or do not agree on the potential impact of this missense change (SIFT: "Deleterious"; PolyPhen-2: "Probably Damaging"; Align-GVGD: "Class C0"). In summary, the available evidence is currently insufficient to determine the role of this variant in disease. Therefore, it has been classified as a Variant of Uncertain Significance.

NM_002900.3(RBP3):c.1577T>C (p.Leu526Pro)

Gene: RBP3 (retinol binding protein 3; plus strand). Cytogenetic location: 10q11.22.
Variant type: single nucleotide variant.
Coding change: c.1577T>C on transcript NM_002900.3 (MANE Select); coding-DNA position 1577, T replaced by C.
Protein change: p.Leu526Pro; replaces leucine 526 with proline.
Molecular consequence: missense variant.
Genome position (GRCh38, 1-based): chr10:47,350,061, T>C. VCF-style: chr10-47350061-T-C. GRCh37 (hg19) VCF-style: chr10-48389301-A-G.
Other names: short protein forms L526P.
Identifiers: ClinVar variation 1994180 (VCV001994180.4), dbSNP rs2549028688, ClinGen allele CA376670913.
Genomic context (GRCh38, chr10:47,350,061, plus strand): 5'-TCTTCACCACCTATGATCGCCGCACCAACATCACGCAGGAGCACTTCAGCCACATGGAGC[T>C]CCCGGGCCCACGCTACAGCACCCAACGTGGGGTGTATCTGCTCACCAGCCACCGCACCGC-3'
Protein context (NP_002891.1, residues 516-536): ITQEHFSHME[Leu526Pro]PGPRYSTQRG